The following is an entry in ClinVar:

ClinVar aggregate classification (germline): Uncertain significance (1 of 4 stars; one submission).

Submission:

Labcorp Genetics (formerly Invitae), Labcorp
Classification: Uncertain significance. Last evaluated: 2021-03-28. Review status: criteria provided, single submitter. Criteria: Invitae Variant Classification Sherloc (09022015). Collection method: clinical testing. Allele origin: germline.
Comment: In summary, the available evidence is currently insufficient to determine the role of this variant in disease. Therefore, it has been classified as a Variant of Uncertain Significance. Experimental studies and prediction algorithms are not available or were not evaluated, and the functional significance of this variant is currently unknown. This variant has not been reported in the literature in individuals with PTPN23-related conditions. The frequency data for this variant in the population databases is not available, as this variant may be reported as separate entries in the ExAC database. This sequence change replaces proline with phenylalanine at codon 993 of the PTPN23 protein (p.Pro993Phe). The proline residue is weakly conserved and there is a moderate physicochemical difference between proline and phenylalanine.

NM_015466.4(PTPN23):c.2977_2978delinsTT (p.Pro993Phe)

Gene: PTPN23 (protein tyrosine phosphatase non-receptor type 23; plus strand). Cytogenetic location: 3p21.31.
Variant type: Indel.
Coding change: c.2977_2978delinsTT on transcript NM_015466.4 (MANE Select); coding-DNA positions 2977 to 2978, CC replaced by TT.
Protein change: p.Pro993Phe; replaces proline 993 with phenylalanine.
Molecular consequence: missense variant.
Genome position (GRCh38, 1-based): chr3:47,410,775-47,410,776, CC replaced by TT. VCF-style: chr3-47410775-CC-TT. GRCh37 (hg19) VCF-style: chr3-47452265-CC-TT.
Other names: c.2599_2600delinsTT, p.Pro867Phe (NM_001304482.2); short protein forms P993F, P867F.
Identifiers: ClinVar variation 1406795 (VCV001406795.4), dbSNP rs2107723624, ClinGen allele CA2573137180.